The following is an entry in ClinVar:

NM_000497.4(CYP11B1):c.1122G>A (p.Arg374=)

Genes: CYP11B1 (cytochrome P450 family 11 subfamily B member 1; minus strand), LOC106799833 (CYP11B1 recombination region; plus strand). Cytogenetic location: 8q24.3.
Variant type: single nucleotide variant.
Coding change: c.1122G>A on transcript NM_000497.4 (MANE Select); coding-DNA position 1122, G replaced by A.
Protein change: p.Arg374=; no amino-acid change (arginine 374 retained).
Molecular consequence: synonymous variant.
Genome position (GRCh38, 1-based): chr8:142,875,312, C>T on the plus strand (G>A on the coding strand, the complement: CYP11B1 is on the minus strand). VCF-style: chr8-142875312-C-T. GRCh37 (hg19) VCF-style: chr8-143956728-C-T.
Other names: c.1122G>A, p.Arg374= (NM_001026213.1).
Identifiers: ClinVar variation 703850 (VCV000703850.9), dbSNP rs758271711, ClinGen allele CA4905101.

ClinVar aggregate classification (germline): Conflicting classifications of pathogenicity. Review status: criteria provided, conflicting classifications (1 of 4 stars). 2 submissions from 2 submitters: Uncertain significance (1); Likely benign (1). Last evaluated 2026-07-14.

Conditions:
CYP11B1-related disorder. Also called: CYP11B1-related condition.

Allele frequency attached by ClinVar (database versions not stated): gnomAD below 0.00001 and 0.00001; gnomAD exomes 0.00002 and 0.00004; ExAC 0.00006.

Submissions (2):

PreventionGenetics, part of Exact Sciences
Classification: Uncertain significance for CYP11B1-related condition. Last evaluated: 2026-07-14. Review status: criteria provided, single submitter. Criteria: ACMG Guidelines, 2015. Collection method: clinical testing. Allele origin: germline.
Comment: The CYP11B1 c.1122G>A variant is not predicted to result in an amino acid change (p.=). This nucleotide change is located at the first base of exon 7 and is predicted to weaken the nearby normal splice acceptor site signal (Alamut Visual Plus v1.13; SpliceAI, Jaganathan et al. 2019. PubMed ID: 30661751). However, the use of computer prediction programs is not equivalent to functional evidence. To our knowledge, this variant has not been reported in the literature. This variant is reported in 0.033% of alleles in individuals of South Asian descent in gnomAD. This variant falls within a highly paralogous region. Allele frequency data should be interpreted with caution. At this time, the clinical significance of this variant is uncertain due to the absence of conclusive functional and genetic evidence.

Labcorp Genetics (formerly Invitae), Labcorp
Classification: Likely benign. Last evaluated: 2026-01-03. Review status: criteria provided, single submitter. Criteria: Invitae Variant Classification Sherloc (09022015). Collection method: clinical testing. Allele origin: germline.